The following is an entry in ClinVar:

NM_001277115.2(DNAH11):c.1814T>C (p.Val605Ala)

Gene: DNAH11 (dynein axonemal heavy chain 11; plus strand). Cytogenetic location: 7p15.3.
Variant type: single nucleotide variant.
Coding change: c.1814T>C on transcript NM_001277115.2 (MANE Select); coding-DNA position 1814, T replaced by C.
Protein change: p.Val605Ala; replaces valine 605 with alanine.
Molecular consequence: missense variant.
Genome position (GRCh38, 1-based): chr7:21,588,167, T>C. VCF-style: chr7-21588167-T-C. GRCh37 (hg19) VCF-style: chr7-21627785-T-C.
Other names: short protein forms V605A.
Identifiers: ClinVar variation 571133 (VCV000571133.16), dbSNP rs1474507652, ClinGen allele CA366938711.

ClinVar aggregate classification (germline): Uncertain significance (1 of 4 stars; one submission).

Conditions:
Primary ciliary dyskinesia. Also called: Ciliary dyskinesia. Identifiers: Orphanet 244, MedGen C0008780, MONDO:0016575, HP:0012265.

Allele frequency attached by ClinVar (database versions not stated): gnomAD exomes below 0.00001; gnomAD 0.00001 and 0.00003; TOPMed 0.00001.
gnomAD v4.1: 5 of 1,613,118 alleles (0.00031%); highest among the groups gnomAD compares: Non-Finnish European, 0.00025%; no homozygotes.

Submission:

Labcorp Genetics (formerly Invitae), Labcorp
Classification: Uncertain significance for Primary ciliary dyskinesia. Last evaluated: 2021-08-31. Review status: criteria provided, single submitter. Criteria: Invitae Variant Classification Sherloc (09022015). Collection method: clinical testing. Allele origin: germline.
Comment: This sequence change replaces valine with alanine at codon 605 of the DNAH11 protein (p.Val605Ala). The valine residue is weakly conserved and there is a small physicochemical difference between valine and alanine. This variant is not present in population databases (ExAC no frequency). This variant has not been reported in the literature in individuals affected with DNAH11-related conditions. Algorithms developed to predict the effect of missense changes on protein structure and function (SIFT, PolyPhen-2, Align-GVGD) all suggest that this variant is likely to be tolerated. In summary, the available evidence is currently insufficient to determine the role of this variant in disease. Therefore, it has been classified as a Variant of Uncertain Significance.